The following is an entry in ClinVar:

ClinVar aggregate classification (germline): Pathogenic (1 of 4 stars; one submission).

Conditions:
Epidermolysis bullosa simplex 3, localized or generalized intermediate, with BP230 deficiency (EBS3). Also called: Epidermolysis bullosa simplex due to BP230 deficiency; Epidermolysis bullosa simplex, autosomal recessive 2. Identifiers: Orphanet 412181, MedGen C3809470, MONDO:0014180, OMIM 615425.
Hereditary sensory and autonomic neuropathy type 6. Also called: Neuropathy, hereditary sensory and autonomic, type VI; HSAN VI. Identifiers: Orphanet 314381, MedGen C3539003, MONDO:0013839, OMIM 614653.

Submission:

Labcorp Genetics (formerly Invitae), Labcorp
Classification: Pathogenic for Epidermolysis bullosa simplex 3, localized or generalized intermediate, with BP230 deficiency; Hereditary sensory and autonomic neuropathy type 6. Last evaluated: 2023-07-26. Review status: criteria provided, single submitter. Criteria: Invitae Variant Classification Sherloc (09022015). Collection method: clinical testing. Allele origin: germline.
Comment: This variant is present in population databases (no rsID available, gnomAD 0.0009%). This sequence change creates a premature translational stop signal (p.Lys1760Asnfs*2) in the DST gene. It is expected to result in an absent or disrupted protein product. Loss-of-function variants in DST are known to be pathogenic (PMID: 22522446, 25059916, 30371979). This variant has not been reported in the literature in individuals affected with DST-related conditions. ClinVar contains an entry for this variant (Variation ID: 950202). For these reasons, this variant has been classified as Pathogenic.

Literature cited by the submitters: PubMed 22522446; PubMed 25059916; PubMed 30371979.

NM_001723.7(DST):c.5280del (p.Lys1760fs)

Gene: DST (dystonin; minus strand). Cytogenetic location: 6p12.1.
Variant type: Deletion.
Coding change: c.5280del on transcript NM_001723.7 (MANE Plus Clinical); coding-DNA position 5280, one base deleted (A; older notation c.5280delA).
Protein change: p.Lys1760fs; shifts the reading frame from lysine 1760.
Molecular consequence: frameshift variant. On other transcripts: intron variant (10).
Genome position (GRCh38, 1-based): chr6:56,618,754, T deleted on the plus strand (A on the coding strand, the reverse complement: DST is on the minus strand); the first of 5 consecutive T bases (chr6:56,618,754-56,618,758); deleting any one gives the same sequence. VCF-style (leftmost placement, unchanged base first): chr6-56618753-AT-A. GRCh37 (hg19) VCF-style: chr6-56483551-AT-A.
Other names: c.4831-4270del (NM_001144769.5); c.4930-4270del (NM_001374722.1, NM_001374736.1); c.4957-4270del (NM_001374734.1); c.4417-4270del (NM_001144770.2); c.4297-4270del (NM_001374730.1, NM_001386100.1, NM_183380.4 and 1 more transcripts); c.3319-4270del (NM_015548.5); short protein forms K1760fs.
Identifiers: ClinVar variation 950202 (VCV000950202.8), dbSNP rs1376812152, ClinGen allele CA567638433.